The following is an entry in ClinVar:

NM_001365536.1(SCN9A):c.5196C>G (p.Asn1732Lys)

Genes: SCN1A-AS1 (SCN1A and SCN9A antisense RNA 1; plus strand), SCN9A (sodium voltage-gated channel alpha subunit 9; minus strand). Cytogenetic location: 2q24.3.
Variant type: single nucleotide variant.
Coding change: c.5196C>G on transcript NM_001365536.1 (MANE Select); coding-DNA position 5196, C replaced by G.
Protein change: p.Asn1732Lys; replaces asparagine 1732 with lysine.
Molecular consequence: missense variant.
Genome position (GRCh38, 1-based): chr2:166,199,443, G>C on the plus strand (C>G on the coding strand, the complement: SCN9A is on the minus strand). VCF-style: chr2-166199443-G-C. GRCh37 (hg19) VCF-style: chr2-167055953-G-C.
Other names: c.5163C>G, p.Asn1721Lys (NM_002977.4); short protein forms N1721K, N1732K.
Identifiers: ClinVar variation 2953978 (VCV002953978.3), dbSNP rs2468877457, ClinGen allele CA349054290.

ClinVar aggregate classification (germline): Uncertain significance (1 of 4 stars; one submission).

Conditions:
Neuropathy, hereditary sensory and autonomic, type 2A (HSAN2A). Also called: MORVAN DISEASE; NEUROPATHY, CONGENITAL SENSORY; NEUROPATHY, HEREDITARY SENSORY RADICULAR, AUTOSOMAL RECESSIVE; NEUROPATHY, HEREDITARY SENSORY, TYPE IIA; NEUROPATHY, PROGRESSIVE SENSORY, OF CHILDREN; HSAN IIA. Identifiers: Orphanet 970, MedGen C2752089, MONDO:0024309, OMIM 201300.
Generalized epilepsy with febrile seizures plus, type 7 (GEFSP7). Also called: GEFS+, TYPE 7. Identifiers: Orphanet 36387, MedGen C2751778, MONDO:0013470, OMIM 613863.

gnomAD v4.1: 1 of 1,614,118 alleles (0.000062%); highest among the groups gnomAD compares: Non-Finnish European, 0.000085%; no homozygotes.

Submission:

Labcorp Genetics (formerly Invitae), Labcorp
Classification: Uncertain significance for Neuropathy, hereditary sensory and autonomic, type 2A; Generalized epilepsy with febrile seizures plus, type 7. Last evaluated: 2023-11-17. Review status: criteria provided, single submitter. Criteria: Invitae Variant Classification Sherloc (09022015). Collection method: clinical testing. Allele origin: germline.
Comment: This sequence change replaces asparagine, which is neutral and polar, with lysine, which is basic and polar, at codon 1721 of the SCN9A protein (p.Asn1721Lys). This variant is not present in population databases (gnomAD no frequency). This variant has not been reported in the literature in individuals affected with SCN9A-related conditions. Advanced modeling of protein sequence and biophysical properties (such as structural, functional, and spatial information, amino acid conservation, physicochemical variation, residue mobility, and thermodynamic stability) performed at Invitae indicates that this missense variant is not expected to disrupt SCN9A protein function with a negative predictive value of 95%. Algorithms developed to predict the effect of sequence changes on RNA splicing suggest that this variant may create or strengthen a splice site. In summary, the available evidence is currently insufficient to determine the role of this variant in disease. Therefore, it has been classified as a Variant of Uncertain Significance.